The following is an entry in ClinVar:

NM_000350.3(ABCA4):c.2653+239T>C

Gene: ABCA4 (ATP binding cassette subfamily A member 4; minus strand). Cytogenetic location: 1p22.1.
Variant type: single nucleotide variant.
Coding change: c.2653+239T>C on transcript NM_000350.3 (MANE Select); 239 bases into the intron after coding-DNA position 2653, T replaced by C.
Molecular consequence: intron variant.
Genome position (GRCh38, 1-based): chr1:94,051,394, A>G on the plus strand (T>C on the coding strand, the complement: ABCA4 is on the minus strand). VCF-style: chr1-94051394-A-G. GRCh37 (hg19) VCF-style: chr1-94516950-A-G.
Identifiers: ClinVar variation 679518 (VCV000679518.1), dbSNP rs75331129, ClinGen allele CA26841858.

ClinVar aggregate classification (germline): Likely benign (1 of 4 stars; one submission).

Allele frequency attached by ClinVar (database versions not stated): gnomAD 0.01240 and 0.01320; TOPMed 0.01392; 1000 Genomes Project 0.01717; 1000 Genomes Project 30x 0.01874.
gnomAD v4.1: 1,877 of 152,334 alleles (1.2%); highest among the groups gnomAD compares: African/African-American, 4.3%; 33 homozygotes.

Submission:

GeneDx
Classification: Likely benign. Last evaluated: 2018-06-19. Review status: criteria provided, single submitter. Criteria: GeneDx Variant Classification (06012015). Collection method: clinical testing. Allele origin: germline. Affected: yes.
Comment: This variant is considered likely benign or benign based on one or more of the following criteria: it is a conservative change, it occurs at a poorly conserved position in the protein, it is predicted to be benign by multiple in silico algorithms, and/or has population frequency not consistent with disease.